The following is an entry in ClinVar:

NM_018263.6(ASXL2):c.315G>C (p.Gln105His)

Gene: ASXL2 (ASXL transcriptional regulator 2; minus strand). Cytogenetic location: 2p23.3.
Variant type: single nucleotide variant.
Coding change: c.315G>C on transcript NM_018263.6 (MANE Select); coding-DNA position 315, G replaced by C.
Protein change: p.Gln105His; replaces glutamine 105 with histidine.
Molecular consequence: missense variant.
Genome position (GRCh38, 1-based): chr2:25,799,473, C>G on the plus strand (G>C on the coding strand, the complement: ASXL2 is on the minus strand). VCF-style: chr2-25799473-C-G. GRCh37 (hg19) VCF-style: chr2-26022342-C-G.
Other names: c.141G>C, p.Gln47His (NM_001369346.1); short protein forms Q105H, Q47H.
Identifiers: ClinVar variation 1712688 (VCV001712688.2), dbSNP rs368208081, ClinGen allele CA346084435.

ClinVar aggregate classification (germline): Uncertain significance (1 of 4 stars; one submission).

Submission:

GeneDx
Classification: Uncertain significance. Last evaluated: 2022-04-27. Review status: criteria provided, single submitter. Criteria: GeneDx Variant Classification Process June 2021. Collection method: clinical testing. Allele origin: germline. Affected: yes.
Comment: Not observed at significant frequency in large population cohorts (gnomAD); In silico analysis supports that this missense variant does not alter protein structure/function; Has not been previously published as pathogenic or benign to our knowledge